The following is an entry in ClinVar:

ClinVar aggregate classification (germline): Uncertain significance (1 of 4 stars; one submission).

Conditions:
Primary dilated cardiomyopathy (DCM). Also called: Dilated Cardiomyopathy. Identifiers: Orphanet 217604, MedGen C0007193, MeSH D002311, MONDO:0005021, HP:0001644. Inheritance: Various modes of inheritance.

Submission:

Labcorp Genetics (formerly Invitae), Labcorp
Classification: Uncertain significance for Primary dilated cardiomyopathy. Last evaluated: 2025-10-06. Review status: criteria provided, single submitter. Criteria: Invitae Variant Classification Sherloc (09022015). Collection method: clinical testing. Allele origin: germline.
Comment: This variant, c.2686_2688del, results in the deletion of 1 amino acid(s) of the NEBL protein (p.Asp896del), but otherwise preserves the integrity of the reading frame. This variant is not present in population databases (gnomAD no frequency). This variant has not been reported in the literature in individuals affected with NEBL-related conditions. Experimental studies and prediction algorithms are not available or were not evaluated, and the functional significance of this variant is currently unknown. Algorithms developed to predict the effect of sequence changes on RNA splicing suggest that this variant may disrupt the consensus splice site. In summary, the available evidence is currently insufficient to determine the role of this variant in disease. Therefore, it has been classified as a Variant of Uncertain Significance.

NM_006393.3(NEBL):c.2683GAC[1] (p.Asp896del)

Gene: NEBL (nebulette; minus strand). Cytogenetic location: 10p12.31.
Variant type: Microsatellite.
Coding change: c.2683GAC[1] on transcript NM_006393.3 (MANE Select); one copy of the 3-base unit GAC starting at c.2683; the reference has two copies in a row; one copy, 3 bases deleted.
Protein change: p.Asp896del; deletes aspartic acid 896.
Molecular consequence: inframe deletion. On other transcripts: intron variant (9).
Genome position (GRCh38, 1-based): chr10:20,808,583-20,808,585, GTC deleted on the plus strand (GAC on the coding strand, the reverse complement: NEBL is on the minus strand); deleting any 3 consecutive bases within chr10:20,808,583-20,808,588 gives the same sequence; the position shown is the placement nearest the transcript's 3' end. VCF-style (leftmost placement, unchanged base first): chr10-20808582-TGTC-T. GRCh37 (hg19) VCF-style: chr10-21097511-TGTC-T.
Other names: c.421+4184_421+4186del (NM_001377326.1, NM_001377327.1, NM_001377328.1); c.529+4184_529+4186del (NM_213569.2, NM_001173484.2); c.622+1221_622+1223del (NM_001377322.1); c.472+4184_472+4186del (NM_001377324.1); c.463+4184_463+4186del (NM_001377325.1); c.481+4184_481+4186del (NM_001377323.1); short protein forms D896del.
Identifiers: ClinVar variation 1421183 (VCV001421183.6), dbSNP rs1837836867, ClinGen allele CA1895371084.
Genomic context (GRCh38, chr10:20,808,582, plus strand): 5'-ACGGTCTTGTTACCTCACTGCAGCATGAAAAGCTAGGGTAAATCTCGGAGATTTCTGACC[TGTC>T]GTCTCCGAGACCTGTACCGAAAGTACTGCTGGAATGGGATCGAGACCAGTGTCGCCTATA-3'